The following is an entry in ClinVar:

NM_004360.5(CDH1):c.682T>C (p.Tyr228His)

Gene: CDH1 (cadherin 1; plus strand). Cytogenetic location: 16q22.1.
Variant type: single nucleotide variant.
Coding change: c.682T>C on transcript NM_004360.5 (MANE Select); coding-DNA position 682, T replaced by C.
Protein change: p.Tyr228His; replaces tyrosine 228 with histidine.
Molecular consequence: missense variant. On other transcripts: 5 prime UTR variant (2).
Genome position (GRCh38, 1-based): chr16:68,808,843, T>C. VCF-style: chr16-68808843-T-C. GRCh37 (hg19) VCF-style: chr16-68842746-T-C.
Other names: c.682T>C, p.Tyr228His (NM_001317184.2); c.-934T>C (NM_001317185.2); c.-1138T>C (NM_001317186.2); short protein forms Y228H.
Identifiers: ClinVar variation 3894114 (VCV003894114.1).

ClinVar aggregate classification (germline): Uncertain significance (1 of 4 stars; one submission).

Conditions:
Hereditary cancer-predisposing syndrome. Also called: Neoplastic Syndromes, Hereditary; Tumor predisposition; Hereditary Cancer Syndrome; Hereditary neoplastic syndrome. Identifiers: Orphanet 140162, MedGen C0027672, MeSH D009386, MONDO:0015356.

Submission:

Color Diagnostics, LLC DBA Color Health
Classification: Uncertain significance for Hereditary cancer-predisposing syndrome. Last evaluated: 2024-09-30. Review status: criteria provided, single submitter. Criteria: ACMG Guidelines, 2015. Collection method: clinical testing. Allele origin: germline.
Comment: This missense variant replaces tyrosine with histidine at codon 228 of the CDH1 protein. To our knowledge, functional studies have not been reported for this variant. This variant has not been reported in individuals affected with CDH1-related disorders in the literature. This variant has not been identified in the general population by the Genome Aggregation Database (gnomAD). The available evidence is insufficient to determine the role of this variant in disease conclusively. Therefore, this variant is classified as a Variant of Uncertain Significance.